The following is an entry in ClinVar:

ClinVar aggregate classification (germline): Likely benign. Review status: criteria provided, single submitter (1 of 4 stars). 2 submissions from 2 submitters: Likely benign (1). 1 of the submissions does not count toward it. Last evaluated 2025-06-07.

Conditions:
ALS2-related disorder. Also called: ALS2-related condition; ALS2-related disorders; ALS2-Related Spectrum Disorders. Identifiers: MedGen CN169291.
Infantile-onset ascending hereditary spastic paralysis (IAHSP). Also called: Autosomal Recessive Juvenile Amyotrophic Lateral Sclerosis; Infantile-Onset Ascending Hereditary Spastic Paralysis (IAHSP). Identifiers: Orphanet 293168, MedGen C2931441, MONDO:0011797, OMIM 607225. Disease mechanism: loss of function.

Allele frequency attached by ClinVar (database versions not stated): ExAC 0.00004; 1000 Genomes Project 30x 0.00016; 1000 Genomes Project 0.00020.
gnomAD v4.1: 72 of 1,614,118 alleles (0.0045%); highest among the groups gnomAD compares: East Asian, 0.0067%; no homozygotes.

Submissions (2):

Labcorp Genetics (formerly Invitae), Labcorp
Classification: Likely benign for Infantile-onset ascending hereditary spastic paralysis. Last evaluated: 2025-06-07. Review status: criteria provided, single submitter. Criteria: Invitae Variant Classification Sherloc (09022015). Collection method: clinical testing. Allele origin: germline.

PreventionGenetics, part of Exact Sciences
Classification: Likely benign for ALS2-related condition. Last evaluated: 2019-05-03. Review status: no assertion criteria provided. Collection method: clinical testing. Allele origin: germline. Not counted in ClinVar's aggregate classification.
Comment: This variant is classified as likely benign based on ACMG/AMP sequence variant interpretation guidelines (Richards et al. 2015 PMID: 25741868, with internal and published modifications).

NM_020919.4(ALS2):c.336G>A (p.Ala112=)

Gene: ALS2 (alsin Rho guanine nucleotide exchange factor ALS2; minus strand). Cytogenetic location: 2q33.1.
Variant type: single nucleotide variant.
Coding change: c.336G>A on transcript NM_020919.4 (MANE Select); coding-DNA position 336, G replaced by A.
Protein change: p.Ala112=; no amino-acid change (alanine 112 retained).
Molecular consequence: synonymous variant.
Genome position (GRCh38, 1-based): chr2:201,761,658, C>T on the plus strand (G>A on the coding strand, the complement: ALS2 is on the minus strand). VCF-style: chr2-201761658-C-T. GRCh37 (hg19) VCF-style: chr2-202626381-C-T.
Other names: c.336G>A, p.Ala112= (NM_001135745.2, NM_001410975.1); c.336G>A (NM_020919.3).
Identifiers: ClinVar variation 2142374 (VCV002142374.5), dbSNP rs551695609, ClinGen allele CA2058666.